The following is an entry in ClinVar:

NM_001105206.3(LAMA4):c.94T>A (p.Phe32Ile)

Genes: LAMA4 (laminin subunit alpha 4; minus strand), LAMA4-AS1 (LAMA4 antisense RNA 1; plus strand). Cytogenetic location: 6q21.
Variant type: single nucleotide variant.
Coding change: c.94T>A on transcript NM_001105206.3 (MANE Select); coding-DNA position 94, T replaced by A.
Protein change: p.Phe32Ile; replaces phenylalanine 32 with isoleucine.
Molecular consequence: missense variant.
Genome position (GRCh38, 1-based): chr6:112,254,057, A>T on the plus strand (T>A on the coding strand, the complement: LAMA4 is on the minus strand). VCF-style: chr6-112254057-A-T. GRCh37 (hg19) VCF-style: chr6-112575259-A-T.
Other names: c.94T>A, p.Phe32Ile (NM_001105207.3, NM_001105208.3, NM_001105209.3 and 1 more transcripts); short protein forms F32I.
Identifiers: ClinVar variation 2737758 (VCV002737758.3), dbSNP rs1584036827, ClinGen allele CA365518859.
Genomic context (GRCh38, chr6:112,254,057, plus strand): 5'-CGCTCGTCTCAGGCGGGTCTTGCCTGCCAACCGCTGAGCTCCCTTCAATGTCAAAAGGAA[A>T]AGCGTTGTCGTCCCCGGACGCGGCGCGGGAGCAGGCAGCGCTCCAGAGGAGCCACAGAGG-3'
Protein context (NP_001098676.2, residues 22-42): SRAASGDDNA[Phe32Ile]PFDIEGSSAV

ClinVar aggregate classification (germline): Uncertain significance (1 of 4 stars; one submission).

Conditions:
Dilated cardiomyopathy 1JJ (CMD1JJ). Identifiers: Orphanet 154, MedGen C3808935, MONDO:0014095, OMIM 615235.

Allele frequency attached by ClinVar (database versions not stated): gnomAD exomes 0.00001.
gnomAD v4.1: 5 of 1,607,000 alleles (0.00031%); highest among the groups gnomAD compares: East Asian, 0.011%; no homozygotes.

Submission:

Labcorp Genetics (formerly Invitae), Labcorp
Classification: Uncertain significance for Dilated cardiomyopathy 1JJ. Last evaluated: 2023-08-19. Review status: criteria provided, single submitter. Criteria: Invitae Variant Classification Sherloc (09022015). Collection method: clinical testing. Allele origin: germline.
Comment: In summary, the available evidence is currently insufficient to determine the role of this variant in disease. Therefore, it has been classified as a Variant of Uncertain Significance. An algorithm developed to predict the effect of missense changes on protein structure and function (PolyPhen-2) suggests that this variant is likely to be tolerated. This variant has not been reported in the literature in individuals affected with LAMA4-related conditions. This variant is not present in population databases (gnomAD no frequency). This sequence change replaces phenylalanine, which is neutral and non-polar, with isoleucine, which is neutral and non-polar, at codon 32 of the LAMA4 protein (p.Phe32Ile).